The following is an entry in ClinVar:

NM_004646.4(NPHS1):c.*146T>C

Gene: NPHS1 (NPHS1 adhesion molecule, nephrin; minus strand). Cytogenetic location: 19q13.12.
Variant type: single nucleotide variant.
Coding change: c.*146T>C on transcript NM_004646.4 (MANE Select); 146 bases downstream of the stop codon, T replaced by C.
Molecular consequence: 3 prime UTR variant.
Genome position (GRCh38, 1-based): chr19:35,826,368, A>G on the plus strand (T>C on the coding strand, the complement: NPHS1 is on the minus strand). VCF-style: chr19-35826368-A-G. GRCh37 (hg19) VCF-style: chr19-36317270-A-G.
Identifiers: ClinVar variation 889497 (VCV000889497.6), dbSNP rs73928316, ClinGen allele CA307827359.
Genomic context (GRCh38, chr19:35,826,368, plus strand): 5'-TAAAGCCAACCCCAGGATGCACCTTGTTTCTACTCTGGTACCAGCTGAACCATCTCTGTC[A>G]CTCAGCCCCCTCCATGTCCTCTCCTGACACCAAGTCCCTTTGGGTTTTATGGAGCTCACC-3'

ClinVar aggregate classification (germline): Benign. Review status: criteria provided, multiple submitters, no conflicts (2 of 4 stars). 3 submissions from 3 submitters: Benign (3). Last evaluated 2020-01-16.

Conditions:
Congenital nephrotic syndrome. Also called: Familial nephrotic syndrome. Identifiers: MedGen C3501848, MeSH C535761, MONDO:0002350, HP:0008677.

Allele frequency attached by ClinVar (database versions not stated): gnomAD 0.02315 and 0.02465; TOPMed 0.02571; 1000 Genomes Project 0.02656; 1000 Genomes Project 30x 0.02936.
gnomAD v4.1: 5,428 of 903,314 alleles (0.6%); highest among the groups gnomAD compares: African/African-American, 8%; 195 homozygotes.

Submissions (3):

GeneDx
Classification: Benign. Last evaluated: 2020-01-16. Review status: criteria provided, single submitter. Criteria: GeneDx Variant Classification Process June 2021. Collection method: clinical testing. Allele origin: germline. Affected: yes.

Illumina Laboratory Services, Illumina
Classification: Benign for Congenital nephrotic syndrome. Last evaluated: 2017-04-27. Review status: criteria provided, single submitter. Criteria: ICSL Variant Classification Criteria 13 December 2019. Collection method: clinical testing. Allele origin: germline.
Comment: This variant was observed as part of a predisposition screen in an ostensibly healthy population. A literature search was performed for the gene, cDNA change, and amino acid change (where applicable). No publications were found based on this search. Allele frequency data from public databases was too high to be consistent with this variant causing disease. Therefore, this variant is classified as benign.

Breakthrough Genomics
Classification: Benign. Review status: criteria provided, single submitter. Criteria: ACMG Guidelines, 2015. Collection method: not provided. Allele origin: germline. Inheritance: Autosomal recessive inheritance. Affected: yes.